The following is an entry in ClinVar:

NM_144670.6(A2ML1):c.2641T>C (p.Cys881Arg)

Gene: A2ML1 (alpha-2-macroglobulin like 1; plus strand). Cytogenetic location: 12p13.31.
Variant type: single nucleotide variant.
Coding change: c.2641T>C on transcript NM_144670.6 (MANE Select); coding-DNA position 2641, T replaced by C.
Protein change: p.Cys881Arg; replaces cysteine 881 with arginine.
Molecular consequence: missense variant.
Genome position (GRCh38, 1-based): chr12:8,854,178, T>C. VCF-style: chr12-8854178-T-C. GRCh37 (hg19) VCF-style: chr12-9006774-T-C.
Other names: c.1168T>C, p.Cys390Arg (NM_001282424.3); short protein forms C390R, C881R.
Identifiers: ClinVar variation 1393243 (VCV001393243.6), dbSNP rs2136894115, ClinGen allele CA383834709.
Genomic context (GRCh38, chr12:8,854,178, plus strand): 5'-TTTCTCTCAGGTCACATTAACTTTACTATTAGTACAAAGATTCTGGACAGCAATGAACCA[T>C]GTGGGGGCCAGAAGGGGTTTGTTCCCCAAAAGGGCCGAAGTGACACGCTCATCAAGCCAG-3'
Protein context (NP_653271.3, residues 871-891): STKILDSNEP[Cys881Arg]GGQKGFVPQK

ClinVar aggregate classification (germline): Uncertain significance (1 of 4 stars; one submission).

Submission:

Labcorp Genetics (formerly Invitae), Labcorp
Classification: Uncertain significance. Last evaluated: 2025-01-06. Review status: criteria provided, single submitter. Criteria: Invitae Variant Classification Sherloc (09022015). Collection method: clinical testing. Allele origin: germline.
Comment: This sequence change replaces cysteine, which is neutral and slightly polar, with arginine, which is basic and polar, at codon 881 of the A2ML1 protein (p.Cys881Arg). This variant is not present in population databases (gnomAD no frequency). This variant has not been reported in the literature in individuals affected with A2ML1-related conditions. ClinVar contains an entry for this variant (Variation ID: 1393243). An algorithm developed to predict the effect of missense changes on protein structure and function (PolyPhen-2) suggests that this variant is likely to be disruptive. In summary, the available evidence is currently insufficient to determine the role of this variant in disease. Therefore, it has been classified as a Variant of Uncertain Significance.